The following is an entry in ClinVar:

NM_024854.5(PYROXD1):c.1331G>A (p.Arg444Gln)

Gene: PYROXD1 (pyridine nucleotide-disulphide oxidoreductase domain 1; plus strand). Cytogenetic location: 12p12.1.
Variant type: single nucleotide variant.
Coding change: c.1331G>A on transcript NM_024854.5 (MANE Select); coding-DNA position 1331, G replaced by A.
Protein change: p.Arg444Gln; replaces arginine 444 with glutamine.
Molecular consequence: missense variant.
Genome position (GRCh38, 1-based): chr12:21,468,582, G>A. VCF-style: chr12-21468582-G-A. GRCh37 (hg19) VCF-style: chr12-21621516-G-A.
Other names: c.1118G>A, p.Arg373Gln (NM_001350912.2); c.554G>A, p.Arg185Gln (NM_001350913.2); short protein forms R444Q, R373Q, R185Q.
Identifiers: ClinVar variation 2140766 (VCV002140766.2), dbSNP rs547924712, ClinGen allele CA6478537.

ClinVar aggregate classification (germline): Uncertain significance (1 of 4 stars; one submission).

Allele frequency attached by ClinVar (database versions not stated): gnomAD 0.00001; gnomAD exomes 0.00001; ExAC 0.00002; 1000 Genomes Project 30x 0.00016; 1000 Genomes Project 0.00020.
gnomAD v4.1: 9 of 1,612,956 alleles (0.00056%); highest among the groups gnomAD compares: South Asian, 0.0022%; no homozygotes.

Submission:

Labcorp Genetics (formerly Invitae), Labcorp
Classification: Uncertain significance. Last evaluated: 2023-08-04. Review status: criteria provided, single submitter. Criteria: Invitae Variant Classification Sherloc (09022015). Collection method: clinical testing. Allele origin: germline.
Comment: In summary, the available evidence is currently insufficient to determine the role of this variant in disease. Therefore, it has been classified as a Variant of Uncertain Significance. Advanced modeling of protein sequence and biophysical properties (such as structural, functional, and spatial information, amino acid conservation, physicochemical variation, residue mobility, and thermodynamic stability) performed at Invitae indicates that this missense variant is not expected to disrupt PYROXD1 protein function. ClinVar contains an entry for this variant (Variation ID: 2140766). This variant has not been reported in the literature in individuals affected with PYROXD1-related conditions. This variant is present in population databases (rs547924712, gnomAD 0.003%). This sequence change replaces arginine, which is basic and polar, with glutamine, which is neutral and polar, at codon 444 of the PYROXD1 protein (p.Arg444Gln).